The following is an entry in ClinVar:

NM_000424.4(KRT5):c.1398G>C (p.Glu466Asp)

Genes: KRT5 (keratin 5; minus strand), LOC126861525 (BRD4-independent group 4 enhancer GRCh37_chr12:52909857-52911056; plus strand). Cytogenetic location: 12q13.13.
Variant type: single nucleotide variant.
Coding change: c.1398G>C on transcript NM_000424.4 (MANE Select); coding-DNA position 1398, G replaced by C.
Protein change: p.Glu466Asp; replaces glutamic acid 466 with aspartic acid.
Molecular consequence: missense variant.
Genome position (GRCh38, 1-based): chr12:52,516,678, C>G on the plus strand (G>C on the coding strand, the complement: KRT5 is on the minus strand). VCF-style: chr12-52516678-C-G. GRCh37 (hg19) VCF-style: chr12-52910462-C-G.
Other names: short protein forms E466D.
Identifiers: ClinVar variation 66208 (VCV000066208.9), dbSNP rs62642056, ClinGen allele CA216659.
Genomic context (GRCh38, chr12:52,516,678, plus strand): 5'-GTTCATGCTGTCTACTCACCTGCATTCCTCGCCCTCCAGCAGCTTGCGGTAAGTGGCGAT[C>G]TCCACGTCCAGGGCCAGCTTGGTGTTCATGAGCTCCTGGTACTCACGCAGCAGCCGGGCC-3'
Protein context (NP_000415.2, residues 456-476): LMNTKLALDV[Glu466Asp]IATYRKLLEG

ClinVar aggregate classification (germline): Pathogenic/Likely pathogenic. Review status: criteria provided, multiple submitters, no conflicts (2 of 4 stars). 5 submissions from 5 submitters: Pathogenic (1); Likely pathogenic (3). 1 of the submissions does not count toward it. Last evaluated 2022-09-09.

Conditions:
KRT5-related disorder. Also called: KRT5-related condition.
Epidermolysis bullosa simplex. Also called: Epidermolysis bullosa simplex, Weber-Cockayne type (subtype); Epidermolysis bullosa simplex, Dowling-Meara type (subtype); Epidermolysis bullosa simplex with mottled pigmentation (subtype). Identifiers: Orphanet 304, MedGen C0079298, MONDO:0017610.

Submissions (5):

GeneDx
Classification: Likely pathogenic. Last evaluated: 2022-09-09. Review status: criteria provided, single submitter. Criteria: GeneDx Variant Classification Process June 2021. Collection method: clinical testing. Allele origin: germline. Affected: yes.
Comment: Not observed at significant frequency in large population cohorts (gnomAD); In silico analysis supports that this missense variant has a deleterious effect on protein structure/function; This variant is associated with the following publications: (PMID: 25017986, 20060687, 17855059, 29932457)

Revvity Omics, Revvity
Classification: Likely pathogenic. Last evaluated: 2021-04-22. Review status: criteria provided, single submitter. Criteria: ACMG Guidelines, 2015. Collection method: clinical testing. Allele origin: germline.

Blueprint Genetics
Classification: Likely pathogenic for KRT5-related disorders. Last evaluated: 2019-03-06. Review status: criteria provided, single submitter. Criteria: ACMG Guidelines, 2015. Collection method: clinical testing. Allele origin: germline. Affected: yes. Observed: 1 variant allele.

Biomedical Innovation Departament, CIEMAT
Classification: Pathogenic for Simplex epidermolysis bullosa. Last evaluated: 2012-06-04. Review status: criteria provided, single submitter. Criteria: ACMG Guidelines, 2015. Collection method: research. Allele origin: de novo. Affected: yes. Observed: 1 variant allele.

Epithelial Biology;  Institute of Medical Biology, Singapore
No classification provided. Review status: no classification provided. Collection method: not provided. Allele origin: not provided. Not counted in ClinVar's aggregate classification.

Literature cited by the submitters: PubMed 17855059 (cited by Biomedical Innovation Departament, CIEMAT).